The following is an entry in ClinVar:

NM_001134363.3(RBM20):c.508G>C (p.Ala170Pro)

Gene: RBM20 (RNA binding motif protein 20; plus strand). Cytogenetic location: 10q25.2.
Variant type: single nucleotide variant.
Coding change: c.508G>C on transcript NM_001134363.3 (MANE Select); coding-DNA position 508, G replaced by C.
Protein change: p.Ala170Pro; replaces alanine 170 with proline.
Molecular consequence: missense variant.
Genome position (GRCh38, 1-based): chr10:110,781,117, G>C. VCF-style: chr10-110781117-G-C. GRCh37 (hg19) VCF-style: chr10-112540875-G-C.
Other names: short protein forms A170P.
Identifiers: ClinVar variation 1918599 (VCV001918599.5), dbSNP rs2493410303, ClinGen allele CA378380859.

ClinVar aggregate classification (germline): Uncertain significance (1 of 4 stars; one submission).

Conditions:
Dilated cardiomyopathy 1DD (CMD1DD). Identifiers: Orphanet 154, MedGen C2750995, MONDO:0013168, OMIM 613172.

Submission:

Labcorp Genetics (formerly Invitae), Labcorp
Classification: Uncertain significance for Dilated cardiomyopathy 1DD. Last evaluated: 2022-05-14. Review status: criteria provided, single submitter. Criteria: Invitae Variant Classification Sherloc (09022015). Collection method: clinical testing. Allele origin: germline.
Comment: Advanced modeling of protein sequence and biophysical properties (such as structural, functional, and spatial information, amino acid conservation, physicochemical variation, residue mobility, and thermodynamic stability) performed at Invitae indicates that this missense variant is not expected to disrupt RBM20 protein function. This variant has not been reported in the literature in individuals affected with RBM20-related conditions. This variant is not present in population databases (gnomAD no frequency). This sequence change replaces alanine, which is neutral and non-polar, with proline, which is neutral and non-polar, at codon 170 of the RBM20 protein (p.Ala170Pro). In summary, the available evidence is currently insufficient to determine the role of this variant in disease. Therefore, it has been classified as a Variant of Uncertain Significance.